The following is an entry in ClinVar:

ClinVar aggregate classification (germline): Benign (1 of 4 stars; one submission).

Allele frequency attached by ClinVar (database versions not stated): gnomAD exomes 0.26623; gnomAD 0.35575 and 0.36217; TOPMed 0.37692; 1000 Genomes Project 30x 0.50750; 1000 Genomes Project 0.51218.
gnomAD v4.1: 324,147 of 1,156,072 alleles (28%); highest among the groups gnomAD compares: East Asian, 70%; 55,747 homozygotes.

Submission:

GeneDx
Classification: Benign. Last evaluated: 2018-06-14. Review status: criteria provided, single submitter. Criteria: GeneDx Variant Classification (06012015). Collection method: clinical testing. Allele origin: germline. Affected: yes.
Comment: This variant is considered likely benign or benign based on one or more of the following criteria: it is a conservative change, it occurs at a poorly conserved position in the protein, it is predicted to be benign by multiple in silico algorithms, and/or has population frequency not consistent with disease.

NM_001267550.2(TTN):c.57544+123T>C

Genes: TTN (titin; minus strand), TTN-AS1 (TTN antisense RNA 1; plus strand). Cytogenetic location: 2q31.2.
Variant type: single nucleotide variant.
Coding change: c.57544+123T>C on transcript NM_001267550.2 (MANE Select); 123 bases into the intron after coding-DNA position 57544, T replaced by C.
Molecular consequence: intron variant.
Genome position (GRCh38, 1-based): chr2:178,597,415, A>G on the plus strand (T>C on the coding strand, the complement: TTN is on the minus strand). VCF-style: chr2-178597415-A-G. GRCh37 (hg19) VCF-style: chr2-179462142-A-G.
Other names: c.30349+123T>C (NM_003319.4); c.30925+123T>C (NM_133437.4); c.30724+123T>C (NM_133432.3); c.49840+123T>C (NM_133378.4); c.52621+123T>C (NM_001256850.1).
Identifiers: ClinVar variation 672659 (VCV000672659.1), dbSNP rs6712785, ClinGen allele CA15161223.